The following is an entry in ClinVar:

GRCh38/hg38 Yp11.2(chrY:659745-921509)x1

Genes: CNE4 (CNE4 enhancer downstream of SHOX; plus strand), CNE5 (CNE5 enhancer downstream of SHOX; plus strand), CNE6 (CNE6 enhancer downstream of SHOX; plus strand), CNE7 (CNE7 enhancer downstream of SHOX; plus strand), CNE8 (CNE8 enhancer downstream of SHOX; plus strand) and 3 more. Cytogenetic location: Yp11.2.
Variant type: copy number loss.
Change: copy number 1 of chrY:659,745-921,509 (261.8 kb, GRCh38 coordinates, 1-based), cytogenetic band Yp11.2.
Identifiers: ClinVar variation 4888335 (VCV004888335.1).

ClinVar aggregate classification (germline): Pathogenic (1 of 4 stars; one submission).

Conditions:
Leri-Weill dyschondrosteosis (LWD). Also called: Leri-Weill Dyschondrosteosis (LWD); Léri-Weill dyschondrosteosis; DYSCHONDROSTEOSIS. Identifiers: Orphanet 240, MedGen C0265309, MONDO:0007481, OMIM 127300.
SHOX-related short stature. Also called: SHORT STATURE, IDIOPATHIC, X-LINKED. Identifiers: Orphanet 314795, MedGen C1845118, MONDO:0010367, OMIM 300582. Disease mechanism: loss of function.
Langer mesomelic dysplasia syndrome (LMD). Also called: Langer mesomelic dysplasia; DYSCHONDROSTEOSIS, HOMOZYGOUS. Identifiers: Orphanet 2632, MedGen C0432230, MONDO:0009588, OMIM 249700.

Submission:

New York Genome Center
Classification: Pathogenic for Langer mesomelic dysplasia syndrome; Leri-Weill dyschondrosteosis; SHOX-related short stature. Last evaluated: 2023-05-03. Review status: criteria provided, single submitter. Criteria: NYGC Assertion Criteria 2020. Collection method: clinical testing. Allele origin: inherited. Affected: yes. Observed: 1 variant allele.
Comment: The paternally inherited ~261kb deletion chrY:659745_(921509-922943)del identified in the pseudoautosomal region of the X and Y chromosome is a deletion of the downstream enhancer region of SHOX and does not contain any SHOX protein coding sequence. The distal breakpoint of the deletion is approximately 350 nucleotides downstream of the annotated 3’UTR of SHOX, and the proximal breakpoint is downstream of the regulatory element CNE9 [PMID:35074420], therefore the deletion identified here contains regulatory regions CNE2-9 of the downstream enhancer region of SHOX. This exact variant has not been reported in population databases (gnomAD SVsv2.1, Database of Genomic Variants), though there are smaller deletions partially overlapping or contained within the one identified here present in those databases at low frequency. This suggests that the deletion identified here is not a common benign copy number variant in the populations represented in those databases. This exact deletion is absent from ClinVar, however deletions similar to or fully contained within the one identified here have been reported in many individuals in the literature affected with SHOX-associated phenotypes including idiopathic short stature and Leri-Weill dyschondrosteosis [PMID: 35074420, 19578035, 22791839,others]. Given the available evidence, the paternally inherited ~261kb deletion identified is reported as Pathogenic.